The following is an entry in ClinVar:

NM_017882.3(CLN6):c.*690A>G

Gene: CLN6 (CLN6 transmembrane ER protein; minus strand). Cytogenetic location: 15q23.
Variant type: single nucleotide variant.
Coding change: c.*690A>G on transcript NM_017882.3 (MANE Select); 690 bases downstream of the stop codon, A replaced by G.
Molecular consequence: 3 prime UTR variant.
Genome position (GRCh38, 1-based): chr15:68,207,450, T>C on the plus strand (A>G on the coding strand, the complement: CLN6 is on the minus strand). VCF-style: chr15-68207450-T-C. GRCh37 (hg19) VCF-style: chr15-68499788-T-C.
Identifiers: ClinVar variation 316972 (VCV000316972.5), dbSNP rs8033190, ClinGen allele CA10636471.

ClinVar aggregate classification (germline): Benign (1 of 4 stars; one submission).

Conditions:
Neuronal ceroid lipofuscinosis. Also called: Neuronal Ceroid Lipofuscinoses. Identifiers: Orphanet 216, Orphanet 79263, MedGen C0027877, MONDO:0016295. Disease mechanism: loss of function.

Allele frequency attached by ClinVar (database versions not stated): gnomAD exomes 0.00750; gnomAD 0.06862 and 0.07262; 1000 Genomes Project 0.07648; TOPMed 0.07778; 1000 Genomes Project 30x 0.08089.
gnomAD v4.1: 10,376 of 155,454 alleles (6.7%); highest among the groups gnomAD compares: African/African-American, 21%; 971 homozygotes.

Submission:

Illumina Laboratory Services, Illumina
Classification: Benign for Neuronal ceroid lipofuscinosis. Last evaluated: 2018-01-13. Review status: criteria provided, single submitter. Criteria: ICSL Variant Classification Criteria 13 December 2019. Collection method: clinical testing. Allele origin: germline.
Comment: This variant was observed in the ICSL laboratory as part of a predisposition screen in an ostensibly healthy population. It had not been previously curated by ICSL or reported in the Human Gene Mutation Database (HGMD: prior to June 1st, 2018), and was therefore a candidate for classification through an automated scoring system. Utilizing variant allele frequency, disease prevalence and penetrance estimates, and inheritance mode, an automated score was calculated to assess if this variant is too frequent to cause the disease. Based on the score and internal cut-off values, a variant classified as benign is not then subjected to further curation. The score for this variant resulted in a classification of benign for this disease.